The following is an entry in ClinVar:

ClinVar aggregate classification (germline): Uncertain significance. Review status: criteria provided, multiple submitters, no conflicts (2 of 4 stars). 2 submissions from 2 submitters: Uncertain significance (2). Last evaluated 2022-12-18.

Conditions:
Hypertrophic cardiomyopathy 26. Also called: Cardiomyopathy, familial hypertrophic, 26. Identifiers: Orphanet 75249, MedGen C4310749, MONDO:0014883, OMIM 617047.
Myofibrillar myopathy 5. Also called: Filaminopathy (type); FILAMINOPATHY, AUTOSOMAL DOMINANT. Identifiers: Orphanet 171445, MedGen C1836050, MONDO:0012289, OMIM 609524.
Distal myopathy with posterior leg and anterior hand involvement. Also called: WILLIAMS DISTAL MYOPATHY. Identifiers: Orphanet 63273, MedGen C3279722, MONDO:0013550, OMIM 614065.
Cardiovascular phenotype. Identifiers: MedGen CN230736.

Submissions (2):

Ambry Genetics
Classification: Uncertain significance for Cardiovascular phenotype. Last evaluated: 2022-12-18. Review status: criteria provided, single submitter. Criteria: Ambry Variant Classification Scheme 2023. Collection method: clinical testing. Allele origin: germline.
Comment: The p.G1583S variant (also known as c.4747G>A), located in coding exon 28 of the FLNC gene, results from a G to A substitution at nucleotide position 4747. The glycine at codon 1583 is replaced by serine, an amino acid with similar properties. This amino acid position is conserved. In addition, this alteration is predicted to be deleterious by in silico analysis. Since supporting evidence is limited at this time, the clinical significance of this alteration remains unclear.

Labcorp Genetics (formerly Invitae), Labcorp
Classification: Uncertain significance for Distal myopathy with posterior leg and anterior hand involvement; Myofibrillar myopathy 5; Hypertrophic cardiomyopathy 26. Last evaluated: 2021-01-22. Review status: criteria provided, single submitter. Criteria: Invitae Variant Classification Sherloc (09022015). Collection method: clinical testing. Allele origin: germline.
Comment: Algorithms developed to predict the effect of missense changes on protein structure and function are either unavailable or do not agree on the potential impact of this missense change (SIFT: "Deleterious"; PolyPhen-2: "Probably Damaging"; Align-GVGD: "Class C0"). In summary, the available evidence is currently insufficient to determine the role of this variant in disease. Therefore, it has been classified as a Variant of Uncertain Significance. This variant has not been reported in the literature in individuals with FLNC-related conditions. This variant is not present in population databases (ExAC no frequency). This sequence change replaces glycine with serine at codon 1583 of the FLNC protein (p.Gly1583Ser). The glycine residue is highly conserved and there is a small physicochemical difference between glycine and serine.

NM_001458.5(FLNC):c.4747G>A (p.Gly1583Ser)

Gene: FLNC (filamin C; plus strand). Cytogenetic location: 7q32.1.
Variant type: single nucleotide variant.
Coding change: c.4747G>A on transcript NM_001458.5 (MANE Select); coding-DNA position 4747, G replaced by A.
Protein change: p.Gly1583Ser; replaces glycine 1583 with serine.
Molecular consequence: missense variant.
Genome position (GRCh38, 1-based): chr7:128,848,802, G>A. VCF-style: chr7-128848802-G-A. GRCh37 (hg19) VCF-style: chr7-128488856-G-A.
Other names: c.4747G>A, p.Gly1583Ser (NM_001127487.2); c.4747G>A (NM_001458.4); short protein forms G1583S.
Identifiers: ClinVar variation 1504421 (VCV001504421.9), dbSNP rs2128937618, ClinGen allele CA369202892.